The following is an entry in ClinVar:

NM_000059.4(BRCA2):c.9770_9771del (p.Lys3257fs)

Gene: BRCA2 (BRCA2 DNA repair associated; plus strand). Cytogenetic location: 13q13.1.
Variant type: Deletion.
Coding change: c.9770_9771del on transcript NM_000059.4 (MANE Select); coding-DNA positions 9770 to 9771, 2 bases deleted (AA; older notation c.9770_9771delAA).
Protein change: p.Lys3257fs; shifts the reading frame from lysine 3257.
Molecular consequence: frameshift variant.
Genome position (GRCh38, 1-based): chr13:32,398,283-32,398,284, AA deleted; deleting any 2 consecutive bases within chr13:32,398,282-32,398,284 gives the same sequence; the c. name uses the placement nearest the transcript's 3' end. VCF-style (leftmost placement, unchanged base first): chr13-32398281-GAA-G. GRCh37 (hg19) VCF-style: chr13-32972418-GAA-G.
Other names: c.9770_9771delAA (NM_000059.3); short protein forms K3257fs.
Identifiers: ClinVar variation 632692 (VCV000632692.13), dbSNP rs1566260997, ClinGen allele CA913190738.
Genomic context (GRCh38, chr13:32,398,281, plus strand): 5'-AAGGAAGTCTGTTTCCACACCTGTCTCAGCCCAGATGACTTCAAAGTCTTGTAAAGGGGA[GAA>G]AGAGATTGATGACCAAAAGAACTGCAAAAAGAGAAGAGCCTTGGATTTCTTGAGTAGACT-3'

ClinVar aggregate classification (germline): Pathogenic/Likely pathogenic. Review status: criteria provided, multiple submitters, no conflicts (2 of 4 stars). 3 submissions from 3 submitters: Pathogenic (2); Likely pathogenic (1). Last evaluated 2023-03-10.

Conditions:
Hereditary breast ovarian cancer syndrome. Also called: Hereditary breast and ovarian cancer; Hereditary breast and ovarian cancer syndrome (HBOC); Breast and ovarian cancer; Hereditary breast and ovarian cancer syndrome; BRCA1- and BRCA2-Associated Hereditary Breast and Ovarian Cancer; Hereditary breast and/or ovarian cancer syndrome. Identifiers: Orphanet 145, MedGen C0677776, MeSH D061325, MONDO:0003582. Disease mechanism: loss of function.
Hereditary cancer-predisposing syndrome. Also called: Tumor predisposition; Neoplastic Syndromes, Hereditary; Hereditary neoplastic syndrome; Hereditary Cancer Syndrome. Identifiers: Orphanet 140162, MedGen C0027672, MeSH D009386, MONDO:0015356.

Submissions (3):

Labcorp Genetics (formerly Invitae), Labcorp
Classification: Pathogenic for Hereditary breast ovarian cancer syndrome. Last evaluated: 2023-03-10. Review status: criteria provided, single submitter. Criteria: Invitae Variant Classification Sherloc (09022015). Collection method: clinical testing. Allele origin: germline.
Comment: This sequence change creates a premature translational stop signal (p.Lys3257Argfs*3) in the BRCA2 gene. While this is not anticipated to result in nonsense mediated decay, it is expected to disrupt the last 162 amino acid(s) of the BRCA2 protein. This variant is not present in population databases (gnomAD no frequency). This variant has not been reported in the literature in individuals affected with BRCA2-related conditions. ClinVar contains an entry for this variant (Variation ID: 632692). This variant disrupts a region of the BRCA2 protein in which other variant(s) (p.Tyr3308*) have been determined to be pathogenic (PMID: 17026620, 18593900, 18607349, 22711857). This suggests that this is a clinically significant region of the protein, and that variants that disrupt it are likely to be disease-causing. For these reasons, this variant has been classified as Pathogenic.

Ambry Genetics
Classification: Pathogenic for Hereditary cancer-predisposing syndrome. Last evaluated: 2021-07-23. Review status: criteria provided, single submitter. Criteria: Ambry Variant Classification Scheme 2023. Collection method: clinical testing. Allele origin: germline.
Comment: The c.9770_9771delAA pathogenic mutation, located in coding exon 26 of the BRCA2 gene, results from a deletion of two nucleotides at nucleotide positions 9770 to 9771, causing a translational frameshift with a predicted alternate stop codon (p.K3257Rfs*3). This alteration occurs at the 3' terminus of theBRCA2 gene, is not expected to trigger nonsense-mediated mRNA decay, and only impacts the last 162 AA of the protein. However, premature stop codons are typically deleterious in nature and the impacted region is critical for protein function (Ambry internal data). This variant is considered to be rare based on population cohorts in the Genome Aggregation Database (gnomAD). As such, this alteration is interpreted as a disease-causing mutation.

Women's Health and Genetics/Laboratory Corporation of America, LabCorp
Classification: Likely pathogenic for Hereditary breast and ovarian cancer syndrome. Last evaluated: 2018-05-29. Review status: criteria provided, single submitter. Criteria: LabCorp Variant Classification Summary - May 2015. Collection method: clinical testing. Allele origin: germline.
Comment: Variant summary: BRCA2 c.9770_9771delAA (p.Lys3257ArgfsX2) results in a premature termination codon, predicted to cause a truncation of the encoded protein or absence of the protein due to nonsense mediated decay, which are commonly known mechanisms for disease. Truncations downstream of this position have been classified as pathogenic by our laboratory (eg., p.Arg3268fsX9 and p.Tyr3308X). The variant was absent in 277164 control chromosomes. To our knowledge, no occurrence of c.9770_9771delAA in individuals affected with Hereditary Breast and Ovarian Cancer and no experimental evidence demonstrating its impact on protein function have been reported. No clinical diagnostic laboratories have submitted clinical-significance assessments for this variant to ClinVar after 2014. Based on the evidence outlined above, the variant was classified as likely pathogenic.

Literature cited by the submitters: PubMed 17026620 (cited by Labcorp Genetics (formerly Invitae), Labcorp); PubMed 18593900 (cited by Labcorp Genetics (formerly Invitae), Labcorp); PubMed 18607349 (cited by Labcorp Genetics (formerly Invitae), Labcorp); PubMed 22711857 (cited by Labcorp Genetics (formerly Invitae), Labcorp).